The following is an entry in ClinVar:

ClinVar aggregate classification (germline): Uncertain significance (1 of 4 stars; one submission).

gnomAD v4.1: 5 of 1,613,998 alleles (0.00031%); highest among the groups gnomAD compares: Admixed American, 0.0017%; no homozygotes.

Submission:

GeneDx
Classification: Uncertain significance. Last evaluated: 2025-07-28. Review status: criteria provided, single submitter. Criteria: GeneDx Variant Classification Process June 2021. Collection method: clinical testing. Allele origin: germline. Affected: yes.
Comment: Not observed at significant frequency in large population cohorts (gnomAD); In silico analysis supports that this missense variant has a deleterious effect on protein structure/function; Has not been previously published as pathogenic or benign to our knowledge

NM_000096.4(CP):c.2426G>A (p.Gly809Asp)

Gene: CP (ceruloplasmin; minus strand). Cytogenetic location: 3q24.
Variant type: single nucleotide variant.
Coding change: c.2426G>A on transcript NM_000096.4 (MANE Select); coding-DNA position 2426, G replaced by A.
Protein change: p.Gly809Asp; replaces glycine 809 with aspartic acid.
Molecular consequence: missense variant. On other transcripts: non-coding transcript variant (1).
Genome position (GRCh38, 1-based): chr3:149,182,133, C>T on the plus strand (G>A on the coding strand, the complement: CP is on the minus strand). VCF-style: chr3-149182133-C-T. GRCh37 (hg19) VCF-style: chr3-148899920-C-T.
Other names: short protein forms G809D.
Identifiers: ClinVar variation 4689979 (VCV004689979.1).
Genomic context (GRCh38, chr3:149,182,133, plus strand): 5'-GTGGCCATGTTTTTAAAGATAATTTTGACTTTGTCTCCAACATCTGCATGAAGTTGTGGA[C>T]CTGGCAAAAGTGAAGAGGAAGAGTGTCCAATCAGAAGGTCTAACTTAGTAATAAAAGCAA-3'
Protein context (NP_000087.2, residues 799-819): KAEEEHLGIL[Gly809Asp]PQLHADVGDK